The following is an entry in ClinVar:

NM_022041.4(GAN):c.794A>G (p.Asn265Ser)

Gene: GAN (gigaxonin; plus strand). Cytogenetic location: 16q23.2.
Variant type: single nucleotide variant.
Coding change: c.794A>G on transcript NM_022041.4 (MANE Select); coding-DNA position 794, A replaced by G.
Protein change: p.Asn265Ser; replaces asparagine 265 with serine.
Molecular consequence: missense variant.
Genome position (GRCh38, 1-based): chr16:81,356,945, A>G. VCF-style: chr16-81356945-A-G. GRCh37 (hg19) VCF-style: chr16-81390550-A-G.
Other names: c.155A>G, p.Asn52Ser (NM_001377486.1); short protein forms N265S, N52S.
Identifiers: ClinVar variation 660956 (VCV000660956.5), dbSNP rs982338741, ClinGen allele CA396872073.
Genomic context (GRCh38, chr16:81,356,945, plus strand): 5'-TCAAAGAGTGTAGCAATATACCGCTCAGCCAGCCGCAGCAAGGGGAGGCGATGCTGGCCA[A>G]CTTCAAACCCCGGGGCTACTCTGAGTGCATCGTGACTGTTGGTGGAGAAGAGAGAGTGTA-3'
Protein context (NP_071324.1, residues 255-275): QPQQGEAMLA[Asn265Ser]FKPRGYSECI

ClinVar aggregate classification (germline): Uncertain significance (1 of 4 stars; one submission).

Conditions:
Giant axonal neuropathy 1 (GAN1). Also called: GIANT AXONAL NEUROPATHY 1, AUTOSOMAL RECESSIVE; GAN-Related Neurodegeneration. Identifiers: Orphanet 643, MedGen C1850386, MONDO:0009749, OMIM 256850.

Allele frequency attached by ClinVar (database versions not stated): gnomAD exomes below 0.00001; TOPMed 0.00001.
gnomAD v4.1: 12 of 1,613,838 alleles (0.00074%); highest among the groups gnomAD compares: African/African-American, 0.004%; no homozygotes.

Submission:

Labcorp Genetics (formerly Invitae), Labcorp
Classification: Uncertain significance for Giant axonal neuropathy 1. Last evaluated: 2022-08-22. Review status: criteria provided, single submitter. Criteria: Invitae Variant Classification Sherloc (09022015). Collection method: clinical testing. Allele origin: germline.
Comment: This sequence change replaces asparagine, which is neutral and polar, with serine, which is neutral and polar, at codon 265 of the GAN protein (p.Asn265Ser). In summary, the available evidence is currently insufficient to determine the role of this variant in disease. Therefore, it has been classified as a Variant of Uncertain Significance. Algorithms developed to predict the effect of missense changes on protein structure and function output the following: SIFT: "Tolerated"; PolyPhen-2: "Benign"; Align-GVGD: "Class C0". The serine amino acid residue is found in multiple mammalian species, which suggests that this missense change does not adversely affect protein function. ClinVar contains an entry for this variant (Variation ID: 660956). This variant has not been reported in the literature in individuals affected with GAN-related conditions. This variant is present in population databases (no rsID available, gnomAD 0.0009%).